The following is an entry in ClinVar:

ClinVar aggregate classification (germline): Uncertain significance (1 of 4 stars; one submission).

Allele frequency attached by ClinVar (database versions not stated): ExAC 0.00001; TOPMed 0.00002; gnomAD 0.00001; gnomAD exomes 0.00002 and 0.00001.
gnomAD v4.1: 29 of 1,613,688 alleles (0.0018%); highest among the groups gnomAD compares: Non-Finnish European, 0.0021%; no homozygotes.

Submission:

Labcorp Genetics (formerly Invitae), Labcorp
Classification: Uncertain significance. Last evaluated: 2025-07-15. Review status: criteria provided, single submitter. Criteria: Invitae Variant Classification Sherloc (09022015). Collection method: clinical testing. Allele origin: germline.
Comment: This sequence change replaces lysine, which is basic and polar, with asparagine, which is neutral and polar, at codon 219 of the CLUAP1 protein (p.Lys219Asn). This variant is present in population databases (rs778178545, gnomAD 0.002%). This variant has not been reported in the literature in individuals affected with CLUAP1-related conditions. ClinVar contains an entry for this variant (Variation ID: 1471444). Invitae Evidence Modeling of protein sequence and biophysical properties (such as structural, functional, and spatial information, amino acid conservation, physicochemical variation, residue mobility, and thermodynamic stability) has been performed for this missense variant. However, the output from this modeling did not meet the statistical confidence thresholds required to predict the impact of this variant on CLUAP1 protein function. In summary, the available evidence is currently insufficient to determine the role of this variant in disease. Therefore, it has been classified as a Variant of Uncertain Significance.

NM_015041.3(CLUAP1):c.657G>C (p.Lys219Asn)

Gene: CLUAP1 (clusterin associated protein 1; plus strand). Cytogenetic location: 16p13.3.
Variant type: single nucleotide variant.
Coding change: c.657G>C on transcript NM_015041.3 (MANE Select); coding-DNA position 657, G replaced by C.
Protein change: p.Lys219Asn; replaces lysine 219 with asparagine.
Molecular consequence: missense variant.
Genome position (GRCh38, 1-based): chr16:3,519,980, G>C. VCF-style: chr16-3519980-G-C. GRCh37 (hg19) VCF-style: chr16-3569980-G-C.
Other names: c.657G>C, p.Lys219Asn (NM_001330454.2); c.159G>C, p.Lys53Asn (NM_024793.3); short protein forms K53N, K219N.
Identifiers: ClinVar variation 1471444 (VCV001471444.6), dbSNP rs778178545, ClinGen allele CA7863810.